The following is an entry in ClinVar:

NM_000094.4(COL7A1):c.2405C>T (p.Ala802Val)

Gene: COL7A1 (collagen type VII alpha 1 chain; minus strand). Cytogenetic location: 3p21.31.
Variant type: single nucleotide variant.
Coding change: c.2405C>T on transcript NM_000094.4 (MANE Select); coding-DNA position 2405, C replaced by T.
Protein change: p.Ala802Val; replaces alanine 802 with valine.
Molecular consequence: missense variant.
Genome position (GRCh38, 1-based): chr3:48,588,905, G>A on the plus strand (C>T on the coding strand, the complement: COL7A1 is on the minus strand). VCF-style: chr3-48588905-G-A. GRCh37 (hg19) VCF-style: chr3-48626338-G-A.
Other names: short protein forms A802V.
Identifiers: ClinVar variation 3682174 (VCV003682174.2).
Genomic context (GRCh38, chr3:48,588,905, plus strand): 5'-CAGGGGTGGCGTCAGGGAGCCATACCTTCACTCCGGCCCCAGGCCAGTCTGTAAGCTGTG[G>A]CTCCAGTGACCCCTACCCAGGTGATCCGTAGAACGTCGCTGGAAGCATTGAGGATCTGCA-3'
Protein context (NP_000085.1, residues 792-812): LRITWVGVTG[Ala802Val]TAYRLAWGRS

ClinVar aggregate classification (germline): Uncertain significance (1 of 4 stars; one submission).

gnomAD v4.1: 1 of 1,613,716 alleles (0.000062%); highest among the groups gnomAD compares: Non-Finnish European, 0.000085%; no homozygotes.

Submission:

Labcorp Genetics (formerly Invitae), Labcorp
Classification: Uncertain significance. Last evaluated: 2024-03-23. Review status: criteria provided, single submitter. Criteria: Invitae Variant Classification Sherloc (09022015). Collection method: clinical testing. Allele origin: germline.
Comment: This sequence change replaces alanine, which is neutral and non-polar, with valine, which is neutral and non-polar, at codon 802 of the COL7A1 protein (p.Ala802Val). This variant is not present in population databases (gnomAD no frequency). This variant has not been reported in the literature in individuals affected with COL7A1-related conditions. Advanced modeling of protein sequence and biophysical properties (such as structural, functional, and spatial information, amino acid conservation, physicochemical variation, residue mobility, and thermodynamic stability) performed at Invitae indicates that this missense variant is not expected to disrupt COL7A1 protein function with a negative predictive value of 95%. In summary, the available evidence is currently insufficient to determine the role of this variant in disease. Therefore, it has been classified as a Variant of Uncertain Significance.